The following is an entry in ClinVar:

NM_001323289.2(CDKL5):c.64+2T>G

Gene: CDKL5 (cyclin dependent kinase like 5; plus strand). Cytogenetic location: Xp22.13.
Variant type: single nucleotide variant.
Coding change: c.64+2T>G on transcript NM_001323289.2 (MANE Select); the canonical splice donor site of the intron after coding-DNA position 64, T replaced by G.
Molecular consequence: splice donor variant.
Genome position (GRCh38, 1-based): chrX:18,507,162, T>G. VCF-style: chrX-18507162-T-G. GRCh37 (hg19) VCF-style: chrX-18525282-T-G.
Other names: c.64+2T>G (NM_001037343.2, NM_003159.3).
Identifiers: ClinVar variation 2001249 (VCV002001249.4), dbSNP rs2518776931, ClinGen allele CA412489626.

ClinVar aggregate classification (germline): Likely pathogenic (1 of 4 stars; one submission).

Conditions:
Developmental and epileptic encephalopathy, 2 (DEE2). Also called: INFANTILE SPASM SYNDROME, X-LINKED 2; CDKL5 deficiency disorder. Identifiers: Orphanet 1934, Orphanet 3451, Orphanet 505652, MedGen C4750718, MONDO:0010396, OMIM 300672.
Angelman syndrome-like. Identifiers: MedGen CN128785.

Submission:

Labcorp Genetics (formerly Invitae), Labcorp
Classification: Likely pathogenic for Developmental and epileptic encephalopathy, 2; Angelman syndrome-like. Last evaluated: 2022-05-30. Review status: criteria provided, single submitter. Criteria: Invitae Variant Classification Sherloc (09022015). Collection method: clinical testing. Allele origin: germline.
Comment: This sequence change affects a donor splice site in intron 2 of the CDKL5 gene. It is expected to disrupt RNA splicing. Variants that disrupt the donor or acceptor splice site typically lead to a loss of protein function (PMID: 16199547), and loss-of-function variants in CDKL5 are known to be pathogenic (PMID: 22872100). This variant is not present in population databases (gnomAD no frequency). This variant has not been reported in the literature in individuals affected with CDKL5-related conditions. Algorithms developed to predict the effect of sequence changes on RNA splicing suggest that this variant may disrupt the consensus splice site. In summary, the currently available evidence indicates that the variant is pathogenic, but additional data are needed to prove that conclusively. Therefore, this variant has been classified as Likely Pathogenic.

Literature cited by the submitters: PubMed 16199547; PubMed 22872100.